The following is an entry in ClinVar:

NM_004817.4(TJP2):c.2195C>T (p.Pro732Leu)

Gene: TJP2 (tight junction protein 2; plus strand). Cytogenetic location: 9q21.11.
Variant type: single nucleotide variant.
Coding change: c.2195C>T on transcript NM_004817.4 (MANE Select); coding-DNA position 2195, C replaced by T.
Protein change: p.Pro732Leu; replaces proline 732 with leucine.
Molecular consequence: missense variant.
Genome position (GRCh38, 1-based): chr9:69,237,893, C>T. VCF-style: chr9-69237893-C-T. GRCh37 (hg19) VCF-style: chr9-71852809-C-T.
Other names: c.2126C>T, p.Pro709Leu (NM_001170414.2, NM_001369871.1); c.2207C>T, p.Pro736Leu (NM_001170415.1, NM_001369874.1, NM_001369875.1); c.2288C>T, p.Pro763Leu (NM_001170416.2); c.2120C>T, p.Pro707Leu (NM_001369870.1); c.2195C>T, p.Pro732Leu (NM_001369872.1, NM_001369873.1, NM_201629.3); short protein forms P709L, P763L, P707L, P736L, P732L.
Identifiers: ClinVar variation 4088173 (VCV004088173.2).
Genomic context (GRCh38, chr9:69,237,893, plus strand): 5'-GCTAGGCAAGTGTGTATGCTTTAATGGCCTTTCTTGTCATTTCAGCTGGTTTCAAGAGAC[C>T]TGTGGTCTTATTCGGCCCCATAGCTGATATAGCAATGGAAAAATTGGCTAATGAGTTACC-3'
Protein context (NP_004808.2, residues 722-742): VLLREAGFKR[Pro732Leu]VVLFGPIADI

ClinVar aggregate classification (germline): Uncertain significance (1 of 4 stars; one submission).

gnomAD v4.1: 2 of 1,613,632 alleles (0.00012%); highest among the groups gnomAD compares: South Asian, 0.0011%; no homozygotes.

Submission:

GeneDx
Classification: Uncertain significance. Last evaluated: 2026-02-25. Review status: criteria provided, single submitter. Criteria: GeneDx Variant Classification Process June 2021. Collection method: clinical testing. Allele origin: germline.
Comment: Not observed at significant frequency in large population cohorts (gnomAD); In silico analysis supports that this missense variant has a deleterious effect on protein structure/function; Has not been previously published as pathogenic or benign to our knowledge